The following is an entry in ClinVar:

ClinVar aggregate classification (germline): Uncertain significance (1 of 4 stars; one submission).

Allele frequency attached by ClinVar (database versions not stated): 1000 Genomes Project 30x 0.00016; 1000 Genomes Project 0.00020.
gnomAD v4.1: 14 of 1,614,108 alleles (0.00087%); highest among the groups gnomAD compares: Non-Finnish European, 0.0012%; no homozygotes.

Submission:

Labcorp Genetics (formerly Invitae), Labcorp
Classification: Uncertain significance. Last evaluated: 2023-10-30. Review status: criteria provided, single submitter. Criteria: Invitae Variant Classification Sherloc (09022015). Collection method: clinical testing. Allele origin: germline.
Comment: This sequence change replaces arginine, which is basic and polar, with serine, which is neutral and polar, at codon 677 of the DUOX2 protein (p.Arg677Ser). This variant is not present in population databases (gnomAD no frequency). This variant has not been reported in the literature in individuals affected with DUOX2-related conditions. Advanced modeling of protein sequence and biophysical properties (such as structural, functional, and spatial information, amino acid conservation, physicochemical variation, residue mobility, and thermodynamic stability) performed at Invitae indicates that this missense variant is not expected to disrupt DUOX2 protein function with a negative predictive value of 80%. In summary, the available evidence is currently insufficient to determine the role of this variant in disease. Therefore, it has been classified as a Variant of Uncertain Significance.

NM_001363711.2(DUOX2):c.2031G>T (p.Arg677Ser)

Gene: DUOX2 (dual oxidase 2; minus strand). Cytogenetic location: 15q21.1.
Variant type: single nucleotide variant.
Coding change: c.2031G>T on transcript NM_001363711.2 (MANE Select); coding-DNA position 2031, G replaced by T.
Protein change: p.Arg677Ser; replaces arginine 677 with serine.
Molecular consequence: missense variant.
Genome position (GRCh38, 1-based): chr15:45,106,242, C>A on the plus strand (G>T on the coding strand, the complement: DUOX2 is on the minus strand). VCF-style: chr15-45106242-C-A. GRCh37 (hg19) VCF-style: chr15-45398440-C-A.
Other names: c.2031G>T, p.Arg677Ser (NM_014080.5); short protein forms R677S.
Identifiers: ClinVar variation 2823628 (VCV002823628.3), dbSNP rs199896919, ClinGen allele CA270129595.